The following is an entry in ClinVar:

NM_001372044.2(SHANK3):c.4392C>T (p.Ser1464=)

Gene: SHANK3 (SH3 and multiple ankyrin repeat domains 3; plus strand). Cytogenetic location: 22q13.33.
Variant type: single nucleotide variant.
Coding change: c.4392C>T on transcript NM_001372044.2 (MANE Select); coding-DNA position 4392, C replaced by T.
Protein change: p.Ser1464=; no amino-acid change (serine 1464 retained).
Molecular consequence: synonymous variant.
Genome position (GRCh38, 1-based): chr22:50,722,000, C>T. VCF-style: chr22-50722000-C-T. GRCh37 (hg19) VCF-style: chr22-51160428-C-T.
Other names: c.4167C>T (NM_033517.1).
Identifiers: ClinVar variation 1228939 (VCV001228939.19), dbSNP rs767710495, ClinGen allele CA10326213.

ClinVar aggregate classification (germline): Benign/Likely benign. Review status: criteria provided, multiple submitters, no conflicts (2 of 4 stars). 2 submissions from 2 submitters: Benign (1); Likely benign (1). Last evaluated 2026-07-01.

Allele frequency attached by ClinVar (database versions not stated): TOPMed 0.00003; gnomAD 0.00005 and 0.00006; gnomAD exomes 0.00009 and 0.00010; ExAC 0.00016.

Submissions (2):

CeGaT Center for Human Genetics Tuebingen
Classification: Likely benign. Last evaluated: 2026-07-01. Review status: criteria provided, single submitter. Criteria: CeGaT Center For Human Genetics Tuebingen Variant Classification Criteria Version 2. Collection method: clinical testing. Allele origin: germline. Affected: yes. Observed: 2 variant alleles.
Comment: SHANK3: BP4, BP7

GeneDx
Classification: Benign. Last evaluated: 2020-06-09. Review status: criteria provided, single submitter. Criteria: GeneDx Variant Classification Process June 2021. Collection method: clinical testing. Allele origin: germline. Affected: yes.